The following is an entry in ClinVar:

ClinVar aggregate classification (germline): Benign (0 of 4 stars; one submission).

Conditions:
DNAH7-related disorder. Also called: DNAH7-related condition.

Allele frequency attached by ClinVar (database versions not stated): 1000 Genomes Project 30x 0.10041; 1000 Genomes Project 0.10144; ExAC 0.11228; gnomAD 0.13094; TOPMed 0.13679; ESP Exome Variant Server 0.14768.
gnomAD v4.1: 197,480 of 1,612,592 alleles (12%); highest among the groups gnomAD compares: African/African-American, 18%; 13,057 homozygotes.

Submission:

PreventionGenetics, part of Exact Sciences
Classification: Benign for DNAH7-related condition. Last evaluated: 2019-11-06. Review status: no assertion criteria provided. Collection method: clinical testing. Allele origin: germline.
Comment: This variant is classified as benign based on ACMG/AMP sequence variant interpretation guidelines (Richards et al. 2015 PMID: 25741868, with internal and published modifications).

NM_018897.3(DNAH7):c.5568C>T (p.Ser1856=)

Gene: DNAH7 (dynein axonemal heavy chain 7; minus strand). Cytogenetic location: 2q32.3.
Variant type: single nucleotide variant.
Coding change: c.5568C>T on transcript NM_018897.3 (MANE Select); coding-DNA position 5568, C replaced by T.
Protein change: p.Ser1856=; no amino-acid change (serine 1856 retained).
Molecular consequence: synonymous variant.
Genome position (GRCh38, 1-based): chr2:195,884,780, G>A on the plus strand (C>T on the coding strand, the complement: DNAH7 is on the minus strand). VCF-style: chr2-195884780-G-A. GRCh37 (hg19) VCF-style: chr2-196749504-G-A.
Identifiers: ClinVar variation 3060172 (VCV003060172.2), dbSNP rs60214909, ClinGen allele CA2035354.
Genomic context (GRCh38, chr2:195,884,780, plus strand): 5'-TAGTTCTCGAAGAATCTTATTAAATTTCAATCGATCATCATCTGTACAAGAAGCACCAAC[G>A]GACCAGATCAATGAAAACAGAAAAATGCCCTGCATTGGACAGATGAGAAGATTAAGAACA-3'
Protein context (NP_061720.2, residues 1846-1866): EGIFLFSLIW[Ser1856=]VGASCTDDDR